The following is an entry in ClinVar:

ClinVar aggregate classification (germline): Uncertain significance (1 of 4 stars; one submission).

Conditions:
Autosomal dominant limb-girdle muscular dystrophy type 1G (LGMDD3). Also called: MUSCULAR DYSTROPHY, LIMB-GIRDLE, AUTOSOMAL DOMINANT 3; Limb-girdle muscular dystrophy, type 1G. Identifiers: Orphanet 55596, MedGen C1836765, MONDO:0012193, OMIM 609115.

Allele frequency attached by ClinVar (database versions not stated): TOPMed 0.00004; gnomAD 0.00005 and 0.00006; gnomAD exomes 0.00005.

Submission:

Labcorp Genetics (formerly Invitae), Labcorp
Classification: Uncertain significance for Autosomal dominant limb-girdle muscular dystrophy type 1G. Last evaluated: 2024-02-07. Review status: criteria provided, single submitter. Criteria: Invitae Variant Classification Sherloc (09022015). Collection method: clinical testing. Allele origin: germline.
Comment: This sequence change replaces alanine, which is neutral and non-polar, with valine, which is neutral and non-polar, at codon 23 of the HNRNPDL protein (p.Ala23Val). The frequency data for this variant in the population databases is considered unreliable, as metrics indicate poor data quality at this position in the gnomAD database. This variant has not been reported in the literature in individuals affected with HNRNPDL-related conditions. ClinVar contains an entry for this variant (Variation ID: 1486239). An algorithm developed to predict the effect of missense changes on protein structure and function (PolyPhen-2) suggests that this variant is likely to be disruptive. In summary, the available evidence is currently insufficient to determine the role of this variant in disease. Therefore, it has been classified as a Variant of Uncertain Significance.

NM_031372.4(HNRNPDL):c.68C>T (p.Ala23Val)

Gene: HNRNPDL (heterogeneous nuclear ribonucleoprotein D like; minus strand). Cytogenetic location: 4q21.22.
Variant type: single nucleotide variant.
Coding change: c.68C>T on transcript NM_031372.4 (MANE Select); coding-DNA position 68, C replaced by T.
Protein change: p.Ala23Val; replaces alanine 23 with valine.
Molecular consequence: missense variant. On other transcripts: non-coding transcript variant (1).
Genome position (GRCh38, 1-based): chr4:82,429,623, G>A on the plus strand (C>T on the coding strand, the complement: HNRNPDL is on the minus strand). VCF-style: chr4-82429623-G-A. GRCh37 (hg19) VCF-style: chr4-83350776-G-A.
Other names: c.68C>T, p.Ala23Val (NM_001207000.1); c.68C>T (NM_031372.3); short protein forms A23V.
Identifiers: ClinVar variation 1486239 (VCV001486239.9), dbSNP rs767247622, ClinGen allele CA2985154.